The following is an entry in ClinVar:

ClinVar aggregate classification (germline): Uncertain significance (1 of 4 stars; one submission).

Conditions:
Familial adenomatous polyposis 1 (FAP1). Also called: FAMILIAL ADENOMATOUS POLYPOSIS 1, ATTENUATED; POLYPOSIS, ADENOMATOUS INTESTINAL. Identifiers: MedGen C2713442, MONDO:0021056, OMIM 175100. Disease mechanism: loss of function.

Submission:

Labcorp Genetics (formerly Invitae), Labcorp
Classification: Uncertain significance for Familial adenomatous polyposis 1. Last evaluated: 2025-06-05. Review status: criteria provided, single submitter. Criteria: Invitae Variant Classification Sherloc (09022015). Collection method: clinical testing. Allele origin: germline.
Comment: This variant occurs in a non-coding region of the APC gene. It does not change the encoded amino acid sequence of the APC protein. This variant is not present in population databases (gnomAD no frequency). This variant has not been reported in the literature in individuals affected with APC-related conditions. Experimental studies and prediction algorithms are not available or were not evaluated, and the functional significance of this variant is currently unknown. In summary, the available evidence is currently insufficient to determine the role of this variant in disease. Therefore, it has been classified as a Variant of Uncertain Significance.

NC_000005.10:g.112707401_112707404dup

Gene: APC (APC regulator of Wnt signaling pathway; plus strand). Cytogenetic location: 5q22.2.
Variant type: Duplication.
Genome position: GRCh38 VCF-style: chr5-112707400-G-GCAGT. GRCh37 (hg19) VCF-style: chr5-112043097-G-GCAGT.
Identifiers: ClinVar variation 1057317 (VCV001057317.10), dbSNP rs2149628446, ClinGen allele CA2499217371.